The following is an entry in ClinVar:

NM_001291303.3(FAT4):c.524G>T (p.Arg175Leu)

Gene: FAT4 (FAT atypical cadherin 4; plus strand). Cytogenetic location: 4q28.1.
Variant type: single nucleotide variant.
Coding change: c.524G>T on transcript NM_001291303.3 (MANE Select); coding-DNA position 524, G replaced by T.
Protein change: p.Arg175Leu; replaces arginine 175 with leucine.
Molecular consequence: missense variant.
Genome position (GRCh38, 1-based): chr4:125,316,935, G>T. VCF-style: chr4-125316935-G-T. GRCh37 (hg19) VCF-style: chr4-126238090-G-T.
Other names: c.524G>T, p.Arg175Leu (NM_001291285.3, NM_024582.6); short protein forms R175L.
Identifiers: ClinVar variation 391893 (VCV000391893.65), dbSNP rs143534324, ClinGen allele CA3071824.

ClinVar aggregate classification (germline): Benign/Likely benign. Review status: criteria provided, multiple submitters, no conflicts (2 of 4 stars). 8 submissions from 8 submitters: Benign (2); Likely benign (6). Last evaluated 2026-10-01.

Conditions:
Lymphedema. Also called: Lymphoedema. Identifiers: MedGen C0024236, MONDO:0019297, HP:0001004.

Allele frequency attached by ClinVar (database versions not stated): 1000 Genomes Project 30x 0.00078; 1000 Genomes Project 0.00100; gnomAD 0.00217 and 0.00255; TOPMed 0.00246; gnomAD exomes 0.00287; ExAC 0.00297; ESP Exome Variant Server 0.00359.
gnomAD v4.1: 5,435 of 1,613,854 alleles (0.34%); highest among the groups gnomAD compares: Middle Eastern, 1.6%; 21 homozygotes.

Submissions (8):

CeGaT Center for Human Genetics Tuebingen
Classification: Likely benign. Last evaluated: 2026-10-01. Review status: criteria provided, single submitter. Criteria: CeGaT Center For Human Genetics Tuebingen Variant Classification Criteria Version 2. Collection method: clinical testing. Allele origin: germline. Affected: yes. Observed: 35 variant alleles.
Comment: FAT4: BS2

Labcorp Genetics (formerly Invitae), Labcorp
Classification: Likely benign. Last evaluated: 2026-02-01. Review status: criteria provided, single submitter. Criteria: Invitae Variant Classification Sherloc (09022015). Collection method: clinical testing. Allele origin: germline.

Blueprint Genetics
Classification: Likely benign. Last evaluated: 2024-11-25. Review status: criteria provided, single submitter. Criteria: ACMG Guidelines, 2015. Collection method: clinical testing. Allele origin: germline.

ARUP Laboratories, Molecular Genetics and Genomics, ARUP Laboratories
Classification: Likely benign. Last evaluated: 2023-09-04. Review status: criteria provided, single submitter. Criteria: ARUP Molecular Germline Variant Investigation Process 2024. Collection method: clinical testing. Allele origin: germline.

Genetic Services Laboratory, University of Chicago
Classification: Likely benign. Last evaluated: 2020-07-09. Review status: criteria provided, single submitter. Criteria: ACMG Guidelines, 2015. Collection method: clinical testing. Allele origin: germline. Affected: no.

Cambridge Genomics Laboratory, East Genomic Laboratory Hub, NHS Genomic Medicine Service
Classification: Benign for Lymphedema. Last evaluated: 2020-06-09. Review status: criteria provided, single submitter. Criteria: ACGS Best Practice Guidelines for Variant Classification in Rare Disease 2020. Collection method: clinical testing. Allele origin: germline. Affected: yes. Observed: 1 variant allele.

GeneDx
Classification: Benign. Last evaluated: 2019-02-18. Review status: criteria provided, single submitter. Criteria: GeneDx Variant Classification Process June 2021. Collection method: clinical testing. Allele origin: germline. Affected: yes.
Comment: This variant is associated with the following publications: (PMID: 24700542, 25188385, 24150215, 31231135)

Breakthrough Genomics
Classification: Likely benign. Review status: criteria provided, single submitter. Criteria: ACMG Guidelines, 2015. Collection method: not provided. Allele origin: germline. Inheritance: Autosomal recessive inheritance. Affected: yes.